The following is an entry in ClinVar:

NM_000388.4(CASR):c.1668G>T (p.Glu556Asp)

Gene: CASR (calcium sensing receptor; plus strand). Cytogenetic location: 3q21.1.
Variant type: single nucleotide variant.
Coding change: c.1668G>T on transcript NM_000388.4 (MANE Select); coding-DNA position 1668, G replaced by T.
Protein change: p.Glu556Asp; replaces glutamic acid 556 with aspartic acid.
Molecular consequence: missense variant.
Genome position (GRCh38, 1-based): chr3:122,282,172, G>T. VCF-style: chr3-122282172-G-T. GRCh37 (hg19) VCF-style: chr3-122001019-G-T.
Other names: c.1698G>T, p.Glu566Asp (NM_001178065.2); short protein forms E556D, E566D.
Identifiers: ClinVar variation 1777617 (VCV001777617.2), dbSNP rs186279271, ClinGen allele CA354156234.

ClinVar aggregate classification (germline): Uncertain significance (1 of 4 stars; one submission).

Conditions:
Nephrolithiasis/nephrocalcinosis. Identifiers: MedGen CN580796.

gnomAD v4.1: 3 of 1,614,050 alleles (0.00019%); highest among the groups gnomAD compares: Admixed American, 0.0033%; no homozygotes.

Submission:

Ambry Genetics
Classification: Uncertain significance for Nephrolithiasis/nephrocalcinosis. Last evaluated: 2022-02-12. Review status: criteria provided, single submitter. Criteria: Ambry Variant Classification Scheme 2023. Collection method: clinical testing. Allele origin: germline.
Comment: The p.E556D variant (also known as c.1668G>T), located in coding exon 5 of the CASR gene, results from a G to T substitution at nucleotide position 1668. The glutamic acid at codon 556 is replaced by aspartic acid, an amino acid with highly similar properties. This amino acid position is conserved. In addition, this alteration is predicted to be tolerated by in silico analysis. Since supporting evidence is limited at this time, the clinical significance of this alteration remains unclear.